The following is an entry in ClinVar:

NM_001387283.1(SMARCA4):c.4211T>G (p.Val1404Gly)

Gene: SMARCA4 (SWI/SNF related BAF chromatin remodeling complex subunit ATPase 4; plus strand). Cytogenetic location: 19p13.2.
Variant type: single nucleotide variant.
Coding change: c.4211T>G on transcript NM_001387283.1 (MANE Plus Clinical); coding-DNA position 4211, T replaced by G.
Protein change: p.Val1404Gly; replaces valine 1404 with glycine.
Molecular consequence: missense variant. On other transcripts: intron variant (7).
Genome position (GRCh38, 1-based): chr19:11,039,498, T>G. VCF-style: chr19-11039498-T-G. GRCh37 (hg19) VCF-style: chr19-11150174-T-G.
Other names: c.4211T>G, p.Val1404Gly (NM_001128849.3); c.4171-1809T>G (NM_001128844.3, NM_003072.5); c.4072-1809T>G (NM_001128847.4, NM_001374457.1, NM_001128848.2); c.4072-1800T>G (NM_001128845.2, NM_001128846.2); short protein forms V1404G.
Identifiers: ClinVar variation 135256 (VCV000135256.64), dbSNP rs200469979, ClinGen allele CA162157.
Genomic context (GRCh38, chr19:11,039,498, plus strand): 5'-ATTAAAAAATTTTGTTGTAGAAAATTACAGGAAAAGATATCCATGACACAGCCAGCAGTG[T>G]GGCACGTGGGCTACAATTCCAGCGTGGCCTTCAGTTCTGCACACGTGCGTCAAAGGTGGG-3'
Protein context (NP_001374212.1, residues 1394-1414): GKDIHDTASS[Val1404Gly]ARGLQFQRGL

ClinVar aggregate classification (germline): Conflicting classifications of pathogenicity. Review status: criteria provided, conflicting classifications (1 of 4 stars). 7 submissions from 7 submitters: Uncertain significance (1); Likely benign (5). 1 of the submissions does not count toward it. Last evaluated 2026-06-01.

Conditions:
SMARCA4-related disorder. Also called: SMARCA4-related condition.
Hereditary cancer-predisposing syndrome. Also called: Tumor predisposition; Hereditary neoplastic syndrome; Hereditary Cancer Syndrome; Neoplastic Syndromes, Hereditary. Identifiers: Orphanet 140162, MedGen C0027672, MeSH D009386, MONDO:0015356.
Rhabdoid tumor predisposition syndrome 2 (RTPS2). Identifiers: Orphanet 231108, Orphanet 69077, MedGen C2750074, MONDO:0013224, OMIM 613325.

Allele frequency attached by ClinVar (database versions not stated): ExAC 0.00007; gnomAD exomes 0.00008 and 0.00010; gnomAD 0.00009 and 0.00010; ESP Exome Variant Server 0.00010; TOPMed 0.00010.
gnomAD v4.1: 151 of 1,602,056 alleles (0.0094%); highest among the groups gnomAD compares: Non-Finnish European, 0.013%; no homozygotes.

Submissions (7):

CeGaT Center for Human Genetics Tuebingen
Classification: Likely benign. Last evaluated: 2026-06-01. Review status: criteria provided, single submitter. Criteria: CeGaT Center For Human Genetics Tuebingen Variant Classification Criteria Version 2. Collection method: clinical testing. Allele origin: germline. Affected: yes. Observed: 2 variant alleles.
Comment: SMARCA4: PP2, BP4, BS1:Supporting

Labcorp Genetics (formerly Invitae), Labcorp
Classification: Likely benign for Rhabdoid tumor predisposition syndrome 2. Last evaluated: 2026-02-02. Review status: criteria provided, single submitter. Criteria: Invitae Variant Classification Sherloc (09022015). Collection method: clinical testing. Allele origin: germline.

PreventionGenetics, part of Exact Sciences
Classification: Likely benign for SMARCA4-related condition. Last evaluated: 2025-10-15. Review status: criteria provided, single submitter. Criteria: ACMG Guidelines, 2015. Collection method: clinical testing. Allele origin: germline.
Comment: This variant is classified as likely benign based on ACMG/AMP sequence variant interpretation guidelines (Richards et al. 2015 PMID: 25741868, with internal and published modifications).

GeneDx
Classification: Uncertain significance. Last evaluated: 2023-07-13. Review status: criteria provided, single submitter. Criteria: GeneDx Variant Classification Process June 2021. Collection method: clinical testing. Allele origin: germline. Affected: yes.
Comment: Observed with a second SMARCA4 variant on the opposite allele (in trans) in an individual with congenital heart disease (Preuss et al., 2016); In silico analysis supports that this missense variant does not alter protein structure/function; This variant is associated with the following publications: (PMID: 27760138, 24728327)

Sema4
Classification: Likely benign for Hereditary cancer-predisposing syndrome. Last evaluated: 2021-01-12. Review status: criteria provided, single submitter. Criteria: Sema4 Curation Guidelines. Collection method: curation. Allele origin: germline.

Ambry Genetics
Classification: Likely benign for Hereditary cancer-predisposing syndrome. Last evaluated: 2019-02-28. Review status: criteria provided, single submitter. Criteria: Ambry Variant Classification Scheme 2023. Collection method: clinical testing. Allele origin: germline.

ITMI
No classification provided. Condition: AllHighlyPenetrant. Last evaluated: 2013-09-19. Review status: no classification provided. Collection method: reference population. Allele origin: germline. Not counted in ClinVar's aggregate classification.
Comment: Please see associated publication for description of ethnicities

Literature cited by the submitters: PubMed 24728327 (cited by Ambry Genetics and ITMI).